The following is an entry in ClinVar:

ClinVar aggregate classification (germline): Likely benign (1 of 4 stars; one submission).

Submission:

CeGaT Center for Human Genetics Tuebingen
Classification: Likely benign. Last evaluated: 2025-12-01. Review status: criteria provided, single submitter. Criteria: CeGaT Center For Human Genetics Tuebingen Variant Classification Criteria Version 2. Collection method: clinical testing. Allele origin: germline. Affected: yes. Observed: 1 variant allele.
Comment: PRAMEF13: BP4, BP7

Single allele

Gene: PRAMEF13 (PRAME family member 13; minus strand). Cytogenetic location: 1p36.21.
Variant type: single nucleotide variant.
Identifiers: ClinVar variation 4681702 (VCV004681702.2).